The following is an entry in ClinVar:

ClinVar aggregate classification (germline): Likely benign. Review status: criteria provided, single submitter (1 of 4 stars). 2 submissions from 2 submitters: Likely benign (1). 1 of the submissions does not count toward it. Last evaluated 2021-12-27.

Conditions:
IRF2BP2-related disorder. Also called: IRF2BP2-related condition.

Allele frequency attached by ClinVar (database versions not stated): ExAC 0.00001; gnomAD exomes 0.00001; TOPMed 0.00001.
gnomAD v4.1: 18 of 1,614,036 alleles (0.0011%); highest among the groups gnomAD compares: Non-Finnish European, 0.0013%; no homozygotes.

Submissions (2):

Labcorp Genetics (formerly Invitae), Labcorp
Classification: Likely benign. Last evaluated: 2021-12-27. Review status: criteria provided, single submitter. Criteria: Invitae Variant Classification Sherloc (09022015). Collection method: clinical testing. Allele origin: germline.

PreventionGenetics, part of Exact Sciences
Classification: Likely benign for IRF2BP2-related condition. Last evaluated: 2023-08-14. Review status: no assertion criteria provided. Collection method: clinical testing. Allele origin: germline. Not counted in ClinVar's aggregate classification.
Comment: This variant is classified as likely benign based on ACMG/AMP sequence variant interpretation guidelines (Richards et al. 2015 PMID: 25741868, with internal and published modifications).

NM_182972.3(IRF2BP2):c.1626A>C (p.Gly542=)

Gene: IRF2BP2 (interferon regulatory factor 2 binding protein 2; minus strand). Cytogenetic location: 1q42.3.
Variant type: single nucleotide variant.
Coding change: c.1626A>C on transcript NM_182972.3 (MANE Select); coding-DNA position 1626, A replaced by C.
Protein change: p.Gly542=; no amino-acid change (glycine 542 retained).
Molecular consequence: synonymous variant.
Genome position (GRCh38, 1-based): chr1:234,607,275, T>G on the plus strand (A>C on the coding strand, the complement: IRF2BP2 is on the minus strand). VCF-style: chr1-234607275-T-G. GRCh37 (hg19) VCF-style: chr1-234743021-T-G.
Other names: c.1578A>C, p.Gly526= (NM_001077397.1); c.1626A>C (NM_182972.2).
Identifiers: ClinVar variation 1904097 (VCV001904097.7), dbSNP rs760965704, ClinGen allele CA1461524.
Genomic context (GRCh38, chr1:234,607,275, plus strand): 5'-GACATTGGAGCCCACAAGAGGGCATTTTTCCCCACTGGGACAATAGACCTCTCCACTAGC[T>G]CCCTGCTGTTTGATGCTTTGTCTGGAGCAAGGGAAGCAGAACTTGTGCGAAGGGACGGAC-3'
Protein context (NP_892017.2, residues 532-552): PCSRQSIKQQ[Gly542=]ASGEVYCPSG